The following is an entry in ClinVar:

NM_016203.4(PRKAG2):c.1495C>G (p.Gln499Glu)

Gene: PRKAG2 (protein kinase AMP-activated non-catalytic subunit gamma 2; minus strand). Cytogenetic location: 7q36.1.
Variant type: single nucleotide variant.
Coding change: c.1495C>G on transcript NM_016203.4 (MANE Select); coding-DNA position 1495, C replaced by G.
Protein change: p.Gln499Glu; replaces glutamine 499 with glutamic acid.
Molecular consequence: missense variant.
Genome position (GRCh38, 1-based): chr7:151,564,167, G>C on the plus strand (C>G on the coding strand, the complement: PRKAG2 is on the minus strand). VCF-style: chr7-151564167-G-C. GRCh37 (hg19) VCF-style: chr7-151261253-G-C.
Other names: c.1363C>G, p.Gln455Glu (NM_001040633.2, NM_001407024.1); c.1120C>G, p.Gln374Glu (NM_001304527.2, NM_001407029.1); c.772C>G, p.Gln258Glu (NM_001304531.2, NM_001407034.1, NM_001407035.1 and 1 more transcripts); c.1123C>G, p.Gln375Glu (NM_001363698.2, NM_001407028.1); c.1495C>G, p.Gln499Glu (NM_001407021.1); c.1492C>G, p.Gln498Glu (NM_001407022.1, NM_001407023.1); c.1360C>G, p.Gln454Glu (NM_001407026.1, NM_001407027.1); c.1207C>G, p.Gln403Glu (NM_001407030.1); and 6 more; short protein forms Q257E, Q258E, Q274E, Q278E, Q374E, Q375E, Q391E, Q393E.
Identifiers: ClinVar variation 3074406 (VCV003074406.2), dbSNP rs2536275508, ClinGen allele CA370070619.

ClinVar aggregate classification (germline): Uncertain significance. Review status: criteria provided, multiple submitters, no conflicts (2 of 4 stars). 2 submissions from 2 submitters: Uncertain significance (2). Last evaluated 2025-07-14.

Conditions:
Lethal congenital glycogen storage disease of heart. Also called: GLYCOGEN STORAGE DISEASE OF HEART; PHOSPHORYLASE KINASE DEFICIENCY OF HEART. Identifiers: Orphanet 439854, MedGen C1849813, MONDO:0009867, OMIM 261740.
Hypertrophic cardiomyopathy. Also called: HYPERTROPHIC MYOCARDIOPATHY. Identifiers: Orphanet 217569, MedGen C0007194, MeSH D002312, MONDO:0005045, HP:0001639.

Submissions (2):

Labcorp Genetics (formerly Invitae), Labcorp
Classification: Uncertain significance for Lethal congenital glycogen storage disease of heart. Last evaluated: 2025-07-14. Review status: criteria provided, single submitter. Criteria: Invitae Variant Classification Sherloc (09022015). Collection method: clinical testing. Allele origin: germline.
Comment: This sequence change replaces glutamine, which is neutral and polar, with glutamic acid, which is acidic and polar, at codon 499 of the PRKAG2 protein (p.Gln499Glu). This variant is not present in population databases (gnomAD no frequency). This variant has not been reported in the literature in individuals affected with PRKAG2-related conditions. ClinVar contains an entry for this variant (Variation ID: 3074406). Invitae Evidence Modeling of protein sequence and biophysical properties (such as structural, functional, and spatial information, amino acid conservation, physicochemical variation, residue mobility, and thermodynamic stability) indicates that this missense variant is not expected to disrupt PRKAG2 protein function with a negative predictive value of 95%. In summary, the available evidence is currently insufficient to determine the role of this variant in disease. Therefore, it has been classified as a Variant of Uncertain Significance.

All of Us Research Program, National Institutes of Health
Classification: Uncertain significance for Hypertrophic cardiomyopathy. Last evaluated: 2023-11-02. Review status: criteria provided, single submitter. Criteria: ACMG Guidelines, 2015. Collection method: clinical testing. Allele origin: germline. Inheritance: Autosomal dominant inheritance. Observed: 1 variant allele, 1 heterozygote.
Comment: This missense variant replaces glutamine with glutamic acid at codon 499 of the PRKAG2 protein. Computational prediction suggests that this variant may not impact protein structure and function (internally defined REVEL score threshold <= 0.5, PMID: 27666373). To our knowledge, functional studies have not been reported for this variant. This variant has not been reported in individuals affected with PRKAG2-related disorders in the literature. This variant has not been identified in the general population by the Genome Aggregation Database (gnomAD). The available evidence is insufficient to determine the role of this variant in disease conclusively. Therefore, this variant is classified as a Variant of Uncertain Significance.

This study involves interpretation of variants in research participants for the purpose of population health screening. Participant phenotype was not available at the time of variant classification. Additional details can be found in publication PMID: 35346344, PMCID: PMC8962531